The following is an entry in ClinVar:

NM_001206927.2(DNAH8):c.8747+2T>C

Gene: DNAH8 (dynein axonemal heavy chain 8; plus strand). Cytogenetic location: 6p21.2.
Variant type: single nucleotide variant.
Coding change: c.8747+2T>C on transcript NM_001206927.2 (MANE Select); the canonical splice donor site of the intron after coding-DNA position 8747, T replaced by C.
Molecular consequence: splice donor variant.
Genome position (GRCh38, 1-based): chr6:38,894,866, T>C. VCF-style: chr6-38894866-T-C. GRCh37 (hg19) VCF-style: chr6-38862642-T-C.
Other names: c.8096+2T>C (NM_001371.4).
Identifiers: ClinVar variation 3620380 (VCV003620380.2).
Genomic context (GRCh38, chr6:38,894,866, plus strand): 5'-TCAATCCCTACTCTCCTGTCCCTTTTCAAACACGAGTGCAGCAGAGTAATTGCAGACAGG[T>C]GCGTGTTGCGGCACTAGAGTTTAAATGTATGACCTGAGAAGTTTATACTACTTGGTTAAT-3'

ClinVar aggregate classification (germline): Likely pathogenic (1 of 4 stars; one submission).

Conditions:
Primary ciliary dyskinesia. Also called: Ciliary dyskinesia. Identifiers: Orphanet 244, MedGen C0008780, MONDO:0016575, HP:0012265.

Submission:

Labcorp Genetics (formerly Invitae), Labcorp
Classification: Likely pathogenic for Primary ciliary dyskinesia. Last evaluated: 2024-07-22. Review status: criteria provided, single submitter. Criteria: Invitae Variant Classification Sherloc (09022015). Collection method: clinical testing. Allele origin: germline.
Comment: This sequence change affects a donor splice site in intron 59 of the DNAH8 gene. It is expected to disrupt RNA splicing. Variants that disrupt the donor or acceptor splice site typically lead to a loss of protein function (PMID: 16199547), and loss-of-function variants in DNAH8 are known to be pathogenic (PMID: 24307375, 32619401, 32681648). This variant is not present in population databases (gnomAD no frequency). This variant has not been reported in the literature in individuals affected with DNAH8-related conditions. Algorithms developed to predict the effect of sequence changes on RNA splicing suggest that this variant may disrupt the consensus splice site. In summary, the currently available evidence indicates that the variant is pathogenic, but additional data are needed to prove that conclusively. Therefore, this variant has been classified as Likely Pathogenic.

Literature cited by the submitters: PubMed 16199547; PubMed 24307375; PubMed 32619401; PubMed 32681648.